The following is an entry in ClinVar:

NM_000548.5(TSC2):c.2355+1G>A

Gene: TSC2 (TSC complex subunit 2; plus strand). Cytogenetic location: 16p13.3.
Variant type: single nucleotide variant.
Coding change: c.2355+1G>A on transcript NM_000548.5 (MANE Select); the canonical splice donor site of the intron after coding-DNA position 2355, G replaced by A.
Molecular consequence: splice donor variant.
Genome position (GRCh38, 1-based): chr16:2,072,984, G>A. VCF-style: chr16-2072984-G-A. GRCh37 (hg19) VCF-style: chr16-2122985-G-A.
Other names: c.1011+1G>A (NM_001406693.1, NM_001406689.1, NM_001406690.1 and 6 more transcripts); c.2445+1G>A (NM_001406667.1, NM_001406668.1); c.1755+1G>A (NM_001406680.1, NM_001406683.1, NM_001406687.1 and 6 more transcripts); c.753+1G>A (NM_001406698.1); c.2355+1G>A (NM_001114382.3, NM_001406663.1, NM_001406664.1 and 6 more transcripts); c.2343+1G>A (NM_001406671.1, NM_001406673.1); c.1893+1G>A (NM_001406681.1); c.2244+1G>A (NM_001406670.1, NM_001318827.2, NM_001406678.1); and 3 more.
Identifiers: ClinVar variation 49711 (VCV000049711.11), dbSNP rs45517227, ClinGen allele CA017233.

ClinVar aggregate classification (germline): Pathogenic. Review status: criteria provided, single submitter (1 of 4 stars). 2 submissions from 2 submitters: Pathogenic (1). 1 of the submissions does not count toward it. Last evaluated 2019-08-25.

Conditions:
Tuberous sclerosis syndrome (TSC). Also called: Tuberous Sclerosis Complex; Tuberous sclerosis. Identifiers: Orphanet 805, MedGen C0041341, MONDO:0001734.
Tuberous sclerosis 2 (TSC2). Identifiers: Orphanet 805, MedGen C1860707, MONDO:0013199, OMIM 613254.

Submissions (2):

Labcorp Genetics (formerly Invitae), Labcorp
Classification: Pathogenic for Tuberous sclerosis 2. Last evaluated: 2019-08-25. Review status: criteria provided, single submitter. Criteria: Invitae Variant Classification Sherloc (09022015). Collection method: clinical testing. Allele origin: germline.
Comment: For these reasons, this variant has been classified as Pathogenic. Donor and acceptor splice site variants typically lead to a loss of protein function (PMID: 16199547), and loss-of-function variants in TSC2 are known to be pathogenic (PMID: 10205261, 17304050). Algorithms developed to predict the effect of sequence changes on RNA splicing suggest that this variant may disrupt the consensus splice site, but this prediction has not been confirmed by published transcriptional studies. Disruption of this splice site has been observed in several individuals affected with tuberous sclerosis (PMID: 25782670, 10205261). ClinVar contains an entry for this variant (Variation ID: 49711). This variant is not present in population databases (ExAC no frequency). This sequence change affects a donor splice site in intron 21 of the TSC2 gene. It is expected to disrupt RNA splicing and likely results in an absent or disrupted protein product.

Tuberous sclerosis database (TSC2)
No classification provided. Condition: TSC. Review status: no classification provided. Criteria: Tuberous Sclerosis Database Assertion Criteria 2015. Collection method: curation. Allele origin: germline. Affected: yes. Not counted in ClinVar's aggregate classification.

Literature cited by the submitters: PubMed 16199547 (cited by Labcorp Genetics (formerly Invitae), Labcorp); PubMed 10205261 (cited by Labcorp Genetics (formerly Invitae), Labcorp); PubMed 17304050 (cited by Labcorp Genetics (formerly Invitae), Labcorp); PubMed 25782670 (cited by Labcorp Genetics (formerly Invitae), Labcorp).